The following is an entry in ClinVar:

ClinVar aggregate classification (germline): Uncertain significance (1 of 4 stars; one submission).

Conditions:
Hereditary cancer-predisposing syndrome. Also called: Neoplastic Syndromes, Hereditary; Tumor predisposition; Hereditary Cancer Syndrome; Hereditary neoplastic syndrome. Identifiers: Orphanet 140162, MedGen C0027672, MeSH D009386, MONDO:0015356.

Submission:

Ambry Genetics
Classification: Uncertain significance for Hereditary cancer-predisposing syndrome. Last evaluated: 2026-02-24. Review status: criteria provided, single submitter. Criteria: Ambry Variant Classification Scheme 2023. Collection method: clinical testing. Allele origin: germline.
Comment: The p.G531V variant (also known as c.1592G>T), located in coding exon 9 of the MEN1 gene, results from a G to T substitution at nucleotide position 1592. The glycine at codon 531 is replaced by valine, an amino acid with dissimilar properties. This amino acid position is not well conserved in available vertebrate species. In addition, this alteration is predicted to be tolerated by in silico analysis. Based on the available evidence, the clinical significance of this variant remains unclear.

NM_001370259.2(MEN1):c.1592G>T (p.Gly531Val)

Gene: MEN1 (menin 1; minus strand). Cytogenetic location: 11q13.1.
Variant type: single nucleotide variant.
Coding change: c.1592G>T on transcript NM_001370259.2 (MANE Select); coding-DNA position 1592, G replaced by T.
Protein change: p.Gly531Val; replaces glycine 531 with valine.
Molecular consequence: missense variant. On other transcripts: non-coding transcript variant (4).
Genome position (GRCh38, 1-based): chr11:64,804,575, C>A on the plus strand (G>T on the coding strand, the complement: MEN1 is on the minus strand). VCF-style: chr11-64804575-C-A. GRCh37 (hg19) VCF-style: chr11-64572047-C-A.
Other names: c.1487G>T, p.Gly496Val (NM_001370263.2, NM_001407148.1, NM_001407149.1 and 1 more transcripts); c.1718G>T, p.Gly573Val (NM_001407142.1, NM_001407143.1, NM_001407144.1 and 1 more transcripts); c.1607G>T, p.Gly536Val (NM_001407145.1, NM_130800.3, NM_130801.3 and 4 more transcripts); c.1592G>T, p.Gly531Val (NM_001407146.1, NM_001407147.1, NM_130799.3 and 2 more transcripts); c.1733G>T, p.Gly578Val (NM_001407150.1); c.1613G>T, p.Gly538Val (NM_001407151.1); c.1427G>T, p.Gly476Val (NM_001407152.1); short protein forms G573V, G536V, G531V, G538V, G578V, G476V, G496V.
Identifiers: ClinVar variation 4826676 (VCV004826676.1).
Genomic context (GRCh38, chr11:64,804,575, plus strand): 5'-AGCACTGGACCCTCCGGCGGTGGTGATGCTGTGGGTGCTGGCACCTGAGCCGTGCTGCCA[C>A]CTTCAGGGCCTCGGGCTGTGCCAGCGACAGTCCCAGGAGGCTTCCGGGGGGGTCCTGACA-3'
Protein context (NP_001357188.2, residues 521-541): TVAGTARGPE[Gly531Val]GSTAQVPAPT